The following is an entry in ClinVar:

ClinVar aggregate classification (germline): Uncertain significance (1 of 4 stars; one submission).

Conditions:
FG syndrome (FGS). Identifiers: MedGen C0220769, MONDO:0002010.

Submission:

Labcorp Genetics (formerly Invitae), Labcorp
Classification: Uncertain significance for FG syndrome. Last evaluated: 2022-02-20. Review status: criteria provided, single submitter. Criteria: Invitae Variant Classification Sherloc (09022015). Collection method: clinical testing. Allele origin: germline.
Comment: In summary, the available evidence is currently insufficient to determine the role of this variant in disease. Therefore, it has been classified as a Variant of Uncertain Significance. Advanced modeling of protein sequence and biophysical properties (such as structural, functional, and spatial information, amino acid conservation, physicochemical variation, residue mobility, and thermodynamic stability) performed at Invitae indicates that this missense variant is expected to disrupt MED12 protein function. This variant has not been reported in the literature in individuals affected with MED12-related conditions. This variant is not present in population databases (gnomAD no frequency). This sequence change replaces isoleucine, which is neutral and non-polar, with methionine, which is neutral and non-polar, at codon 1074 of the MED12 protein (p.Ile1074Met).

NM_005120.3(MED12):c.3222C>G (p.Ile1074Met)

Gene: MED12 (mediator complex subunit 12; plus strand). Cytogenetic location: Xq13.1.
Variant type: single nucleotide variant.
Coding change: c.3222C>G on transcript NM_005120.3 (MANE Select); coding-DNA position 3222, C replaced by G.
Protein change: p.Ile1074Met; replaces isoleucine 1074 with methionine.
Molecular consequence: missense variant.
Genome position (GRCh38, 1-based): chrX:71,128,308, C>G. VCF-style: chrX-71128308-C-G. GRCh37 (hg19) VCF-style: chrX-70348158-C-G.
Other names: short protein forms I1074M.
Identifiers: ClinVar variation 2100518 (VCV002100518.4), dbSNP rs374156594, ClinGen allele CA413517956.